The following is an entry in ClinVar:

ClinVar aggregate classification (germline): Benign. Review status: criteria provided, multiple submitters, no conflicts (2 of 4 stars). 6 submissions from 5 submitters: Benign (5). 1 of the submissions does not count toward it. Last evaluated 2024-11-28.

Conditions:
Hydrocephalus, congenital, 3, with brain anomalies. Also called: HYDROCEPHALUS, NONSYNDROMIC, AUTOSOMAL RECESSIVE 3. Identifiers: MedGen C4747885, MONDO:0054794, OMIM 617967.
Cerebellar ataxia, impaired intellectual development, and dysequilibrium syndrome 2. Also called: CEREBELLAR ATAXIA, MENTAL RETARDATION, AND DYSEQUILIBRIUM SYNDROME 2; CEREBELLAR ATAXIA AND MENTAL RETARDATION WITH OR WITHOUT QUADRUPEDAL LOCOMOTION 2; Cerebellar ataxia, intellectual disability, and dysequilibrium syndrome 2. Identifiers: Orphanet 1766, MedGen C2750234, MONDO:0012430, OMIM 610185.

Allele frequency attached by ClinVar (database versions not stated): gnomAD exomes 0.51250; ExAC 0.51635; ESP Exome Variant Server 0.52418; gnomAD 0.53211 and 0.53472; TOPMed 0.53320; 1000 Genomes Project 0.53954; 1000 Genomes Project 30x 0.53982.
gnomAD v4.1: 834,261 of 1,611,926 alleles (52%); highest among the groups gnomAD compares: East Asian, 74%; 218,233 homozygotes.

Submissions (6):

Blueprint Genetics
Classification: Benign. Last evaluated: 2024-11-28. Review status: criteria provided, single submitter. Criteria: ACMG Guidelines, 2015. Collection method: clinical testing. Allele origin: germline.

Mayo Clinic Laboratories, Mayo Clinic
Classification: Benign. Last evaluated: 2022-03-24. Review status: criteria provided, single submitter. Criteria: ACMG Guidelines, 2015. Collection method: clinical testing. Allele origin: germline. Observed: 379 variant alleles.

Genome-Nilou Lab
Classification: Benign for Cerebellar ataxia, impaired intellectual development, and dysequilibrium syndrome 2. Last evaluated: 2021-07-14. Review status: criteria provided, single submitter. Criteria: ACMG Guidelines, 2015. Collection method: clinical testing. Allele origin: germline. Affected: no.

Genome-Nilou Lab
Classification: Benign for Hydrocephalus, congenital, 3, with brain anomalies. Last evaluated: 2021-07-14. Review status: criteria provided, single submitter. Criteria: ACMG Guidelines, 2015. Collection method: clinical testing. Allele origin: germline. Affected: no.

Breakthrough Genomics
Classification: Benign. Review status: criteria provided, single submitter. Criteria: ACMG Guidelines, 2015. Collection method: not provided. Allele origin: germline. Inheritance: Autosomal recessive inheritance. Affected: yes.

Genetic Services Laboratory, University of Chicago
Classification: Likely benign for AllHighlyPenetrant. Review status: no assertion criteria provided. Collection method: clinical testing. Allele origin: germline. Inheritance: Autosomal recessive inheritance. Not counted in ClinVar's aggregate classification.
Comment: Likely benign based on allele frequency in 1000 Genomes Project or ESP global frequency and its presence in a patient with a rare or unrelated disease phenotype. NOT Sanger confirmed.

NM_001163809.2(WDR81):c.4743A>G (p.Pro1581=)

Gene: WDR81 (WD repeat domain 81; plus strand). Cytogenetic location: 17p13.3.
Variant type: single nucleotide variant.
Coding change: c.4743A>G on transcript NM_001163809.2 (MANE Select); coding-DNA position 4743, A replaced by G.
Protein change: p.Pro1581=; no amino-acid change (proline 1581 retained).
Molecular consequence: synonymous variant.
Genome position (GRCh38, 1-based): chr17:1,733,780, A>G. VCF-style: chr17-1733780-A-G. GRCh37 (hg19) VCF-style: chr17-1637074-A-G.
Other names: p.Pro1581=; c.1134A>G, p.Pro378= (NM_001163673.2); c.1062A>G, p.Pro354= (NM_001163811.2); c.1590A>G, p.Pro530= (NM_152348.4).
Identifiers: ClinVar variation 130740 (VCV000130740.12), dbSNP rs3809871, ClinGen allele CA155987.
Genomic context (GRCh38, chr17:1,733,780, plus strand): 5'-CGTCCTGGTGGGGAACCGCATTCAGATCCCCAATGACTCTCGGCCTGAGAACCCCGGACC[A>G]CTGGGCCCCATCTCGGGGGTGGGTGGCGGGGGCCTGGGCAGCGGGAGCGACGACAACGCC-3'
Protein context (NP_001157281.1, residues 1571-1591): PNDSRPENPG[Pro1581=]LGPISGVGGG